The following is an entry in ClinVar:

NM_022124.6(CDH23):c.995C>G (p.Thr332Arg)

Gene: CDH23 (cadherin related 23; plus strand). Cytogenetic location: 10q22.1.
Variant type: single nucleotide variant.
Coding change: c.995C>G on transcript NM_022124.6 (MANE Select); coding-DNA position 995, C replaced by G.
Protein change: p.Thr332Arg; replaces threonine 332 with arginine.
Molecular consequence: missense variant.
Genome position (GRCh38, 1-based): chr10:71,617,254, C>G. VCF-style: chr10-71617254-C-G. GRCh37 (hg19) VCF-style: chr10-73377011-C-G.
Other names: c.995C>G, p.Thr332Arg (NM_001171930.2, NM_001171931.2, NM_001171932.2 and 1 more transcripts); short protein forms T332R.
Identifiers: ClinVar variation 2837572 (VCV002837572.3), dbSNP rs376301184, ClinGen allele CA377122167.

ClinVar aggregate classification (germline): Uncertain significance (1 of 4 stars; one submission).

gnomAD v4.1: 1 of 1,613,852 alleles (0.000062%); highest among the groups gnomAD compares: African/African-American, 0.0013%; no homozygotes.

Submission:

Labcorp Genetics (formerly Invitae), Labcorp
Classification: Uncertain significance. Last evaluated: 2023-11-24. Review status: criteria provided, single submitter. Criteria: Invitae Variant Classification Sherloc (09022015). Collection method: clinical testing. Allele origin: germline.
Comment: This sequence change replaces threonine, which is neutral and polar, with arginine, which is basic and polar, at codon 332 of the CDH23 protein (p.Thr332Arg). This variant is not present in population databases (gnomAD no frequency). This variant has not been reported in the literature in individuals affected with CDH23-related conditions. Advanced modeling of protein sequence and biophysical properties (such as structural, functional, and spatial information, amino acid conservation, physicochemical variation, residue mobility, and thermodynamic stability) performed at Invitae indicates that this missense variant is not expected to disrupt CDH23 protein function with a negative predictive value of 95%. In summary, the available evidence is currently insufficient to determine the role of this variant in disease. Therefore, it has been classified as a Variant of Uncertain Significance.